The following is an entry in ClinVar:

NM_006947.4(SRP72):c.1524G>A (p.Ser508=)

Gene: SRP72 (signal recognition particle 72; plus strand). Cytogenetic location: 4q12.
Variant type: single nucleotide variant.
Coding change: c.1524G>A on transcript NM_006947.4 (MANE Select); coding-DNA position 1524, G replaced by A.
Protein change: p.Ser508=; no amino-acid change (serine 508 retained).
Molecular consequence: synonymous variant. On other transcripts: non-coding transcript variant (1).
Genome position (GRCh38, 1-based): chr4:56,491,452, G>A. VCF-style: chr4-56491452-G-A. GRCh37 (hg19) VCF-style: chr4-57357618-G-A.
Other names: c.1341G>A, p.Ser447= (NM_001267722.2).
Identifiers: ClinVar variation 1652900 (VCV001652900.33), dbSNP rs140596453, ClinGen allele CA2931398.
Genomic context (GRCh38, chr4:56,491,452, plus strand): 5'-TTGTGTATATTATGTTCCTGAACTCCTGTTCTATCACAGTCTTAGTAAACACTTGCCATC[G>A]TCAGATAGTATGTCTCTAAAAGTAGATGTTGAGGCTCTTGAAAATTCTGCTGGTGCTACA-3'
Protein context (NP_008878.3, residues 498-518): KAKALSKHLP[Ser508=]SDSMSLKVDV

ClinVar aggregate classification (germline): Likely benign. Review status: criteria provided, multiple submitters, no conflicts (2 of 4 stars). 3 submissions from 3 submitters: Likely benign (3). Last evaluated 2025-07-27.

Allele frequency attached by ClinVar (database versions not stated): gnomAD exomes 0.00001 and 0.00003; ExAC 0.00003; gnomAD 0.00005 and 0.00006; TOPMed 0.00006; ESP Exome Variant Server 0.00023.
gnomAD v4.1: 23 of 1,613,662 alleles (0.0014%); highest among the groups gnomAD compares: African/African-American, 0.012%; no homozygotes.

Submissions (3):

Labcorp Genetics (formerly Invitae), Labcorp
Classification: Likely benign. Last evaluated: 2025-07-27. Review status: criteria provided, single submitter. Criteria: Invitae Variant Classification Sherloc (09022015). Collection method: clinical testing. Allele origin: germline.

CeGaT Center for Human Genetics Tuebingen
Classification: Likely benign. Last evaluated: 2022-10-01. Review status: criteria provided, single submitter. Criteria: CeGaT Center For Human Genetics Tuebingen Variant Classification Criteria Version 2. Collection method: clinical testing. Allele origin: germline. Affected: yes. Observed: 1 variant allele.
Comment: SRP72: BP4, BP7

Breakthrough Genomics
Classification: Likely benign. Review status: criteria provided, single submitter. Criteria: ACMG Guidelines, 2015. Collection method: not provided. Allele origin: germline. Inheritance: Autosomal dominant inheritance. Affected: yes.